The following is an entry in ClinVar:

ClinVar aggregate classification (germline): Pathogenic. Review status: criteria provided, multiple submitters, no conflicts (2 of 4 stars). 2 submissions from 2 submitters: Pathogenic (2). Last evaluated 2022-10-06.

Conditions:
Cholestanol storage disease (CTX). Also called: CTX: Cerebrotendinous xanthomatosis; CEREBRAL CHOLESTERINOSIS; Cerebrotendinous Xanthomatosis. Identifiers: Orphanet 909, MedGen C0238052, MONDO:0008948, OMIM 213700.

Allele frequency attached by ClinVar (database versions not stated): TOPMed below 0.00001.
gnomAD v4.1: 1 of 1,614,216 alleles (0.000062%); highest among the groups gnomAD compares: Non-Finnish European, 0.000085%; no homozygotes.

Submissions (2):

Baylor Genetics
Classification: Pathogenic for Cholestanol storage disease. Last evaluated: 2022-10-06. Review status: criteria provided, single submitter. Criteria: ACMG Guidelines, 2015. Collection method: clinical testing. Allele origin: unknown.

Juno Genomics, Hangzhou Juno Genomics, Inc
Classification: Pathogenic for Cholestanol storage disease. Review status: criteria provided, single submitter. Criteria: ACMG Guidelines, 2015. Collection method: clinical testing. Allele origin: germline.
Comment: Absent from controls (or at extremely low frequency if recessive) in Genome Aggregation Database.;Null variant in a gene where loss of function (LOF) is a known mechanism of disease.;For recessive disorders, detected in trans with a pathogenic variant.;Patient's phenotype or family history is highly specific for a disease with a single genetic etiology.

NM_000784.4(CYP27A1):c.571C>T (p.Gln191Ter)

Gene: CYP27A1 (cytochrome P450 family 27 subfamily A member 1; plus strand). Cytogenetic location: 2q35.
Variant type: single nucleotide variant.
Coding change: c.571C>T on transcript NM_000784.4 (MANE Select); coding-DNA position 571, C replaced by T.
Protein change: p.Gln191Ter; replaces glutamine 191 with a stop codon.
Molecular consequence: nonsense.
Genome position (GRCh38, 1-based): chr2:218,812,346, C>T. VCF-style: chr2-218812346-C-T. GRCh37 (hg19) VCF-style: chr2-219677069-C-T.
Other names: short protein forms Q191*.
Identifiers: ClinVar variation 2674722 (VCV002674722.3), dbSNP rs1323697541, ClinGen allele CA350585255.
Genomic context (GRCh38, chr2:218,812,346, plus strand): 5'-GCAGCGCTCTATACGGATGCTTTCAATGAGGTGATTGATGACTTTATGACTCGACTGGAC[C>T]AGCTGCGGGCAGAGAGTGCTTCGGGGAACCAGGTGTCGGACATGGCTCAACTCTTCTACT-3'